The following is an entry in ClinVar:

NM_020207.7(ERCC6L2):c.1249G>A (p.Glu417Lys)

Gene: ERCC6L2 (ERCC excision repair 6 like 2; plus strand). Cytogenetic location: 9q22.32.
Variant type: single nucleotide variant.
Coding change: c.1249G>A on transcript NM_020207.7 (MANE Select); coding-DNA position 1249, G replaced by A.
Protein change: p.Glu417Lys; replaces glutamic acid 417 with lysine.
Molecular consequence: missense variant. On other transcripts: non-coding transcript variant (1).
Genome position (GRCh38, 1-based): chr9:95,921,265, G>A. VCF-style: chr9-95921265-G-A. GRCh37 (hg19) VCF-style: chr9-98683547-G-A.
Other names: c.1249G>A, p.Glu417Lys (NM_001010895.4, NM_001375291.1, NM_001375292.1 and 2 more transcripts); short protein forms E417K.
Identifiers: ClinVar variation 4870606 (VCV004870606.1).

ClinVar aggregate classification (germline): Uncertain significance (1 of 4 stars; one submission).

Conditions:
Inborn genetic diseases. Identifiers: MedGen C0950123, MeSH D030342.

Submission:

Ambry Genetics
Classification: Uncertain significance for Inborn genetic diseases. Last evaluated: 2026-05-14. Review status: criteria provided, single submitter. Criteria: Ambry Variant Classification Scheme 2023. Collection method: clinical testing. Allele origin: germline.
Comment: The p.E417K variant (also known as c.1249G>A), located in coding exon 7 of the ERCC6L2 gene, results from a G to A substitution at nucleotide position 1249. The glutamic acid at codon 417 is replaced by lysine, an amino acid with similar properties. This amino acid position is conserved. In addition, this alteration is predicted to be tolerated by in silico analysis. Based on the available evidence, the clinical significance of this variant remains unclear.